The following is an entry in ClinVar:

ClinVar aggregate classification (germline): Conflicting classifications of pathogenicity. Review status: criteria provided, conflicting classifications (1 of 4 stars). 2 submissions from 2 submitters: Uncertain significance (1); Likely benign (1). Last evaluated 2025-08-10.

Conditions:
Inborn genetic diseases. Identifiers: MedGen C0950123, MeSH D030342.

Allele frequency attached by ClinVar (database versions not stated): TOPMed below 0.00001; ExAC 0.00001; gnomAD 0.00001; gnomAD exomes 0.00001.
gnomAD v4.1: 14 of 1,606,580 alleles (0.00087%); highest among the groups gnomAD compares: African/African-American, 0.0013%; no homozygotes.

Submissions (2):

Ambry Genetics
Classification: Likely benign for Inborn genetic diseases. Last evaluated: 2025-08-10. Review status: criteria provided, single submitter. Criteria: Ambry Variant Classification Scheme 2023. Collection method: clinical testing. Allele origin: germline.

Labcorp Genetics (formerly Invitae), Labcorp
Classification: Uncertain significance. Last evaluated: 2022-07-05. Review status: criteria provided, single submitter. Criteria: Invitae Variant Classification Sherloc (09022015). Collection method: clinical testing. Allele origin: germline.
Comment: In summary, the available evidence is currently insufficient to determine the role of this variant in disease. Therefore, it has been classified as a Variant of Uncertain Significance. Algorithms developed to predict the effect of missense changes on protein structure and function output the following: SIFT: "Not Available"; PolyPhen-2: "Benign"; Align-GVGD: "Not Available". The valine amino acid residue is found in multiple mammalian species, which suggests that this missense change does not adversely affect protein function. ClinVar contains an entry for this variant (Variation ID: 1499478). This variant has not been reported in the literature in individuals affected with MYO18B-related conditions. The frequency data for this variant in the population databases is considered unreliable, as metrics indicate poor data quality at this position in the gnomAD database. This sequence change replaces isoleucine, which is neutral and non-polar, with valine, which is neutral and non-polar, at codon 636 of the MYO18B protein (p.Ile636Val).

NM_032608.7(MYO18B):c.1906A>G (p.Ile636Val)

Gene: MYO18B (myosin XVIIIB; plus strand). Cytogenetic location: 22q12.1.
Variant type: single nucleotide variant.
Coding change: c.1906A>G on transcript NM_032608.7 (MANE Select); coding-DNA position 1906, A replaced by G.
Protein change: p.Ile636Val; replaces isoleucine 636 with valine.
Molecular consequence: missense variant.
Genome position (GRCh38, 1-based): chr22:25,777,619, A>G. VCF-style: chr22-25777619-A-G. GRCh37 (hg19) VCF-style: chr22-26173586-A-G.
Other names: c.1906A>G, p.Ile636Val (NM_001318245.2); c.1906A>G (NM_032608.5); short protein forms I636V.
Identifiers: ClinVar variation 1499478 (VCV001499478.6), dbSNP rs766483254, ClinGen allele CA10160005.